The following is an entry in ClinVar:

NM_004260.4(RECQL4):c.1588G>C (p.Val530Leu)

Gene: RECQL4 (RecQ like helicase 4; minus strand). Cytogenetic location: 8q24.3.
Variant type: single nucleotide variant.
Coding change: c.1588G>C on transcript NM_004260.4 (MANE Select); coding-DNA position 1588, G replaced by C.
Protein change: p.Val530Leu; replaces valine 530 with leucine.
Molecular consequence: missense variant. On other transcripts: non-coding transcript variant (3).
Genome position (GRCh38, 1-based): chr8:144,514,968, C>G on the plus strand (G>C on the coding strand, the complement: RECQL4 is on the minus strand). VCF-style: chr8-144514968-C-G. GRCh37 (hg19) VCF-style: chr8-145740352-C-G.
Other names: c.1588G>C, p.Val530Leu (NM_001413033.1, NM_001413036.1, NM_001413018.1 and 1 more transcripts); c.517G>C, p.Val173Leu (NM_001413034.1, NM_001413035.1, NM_001413037.1 and 7 more transcripts); c.1558G>C, p.Val520Leu (NM_001413039.1); c.451G>C, p.Val151Leu (NM_001413041.1, NM_001413027.1, NM_001413030.1 and 2 more transcripts); c.487G>C, p.Val163Leu (NM_001413042.1); c.1459G>C, p.Val487Leu (NM_001413025.1); c.1237G>C, p.Val413Leu (NM_001413029.1); c.1492G>C, p.Val498Leu (NM_001413017.1, NM_001413020.1); and 1 more; short protein forms V151L, V163L, V173L, V413L, V41L, V487L, V498L, V520L.
Identifiers: ClinVar variation 4863217 (VCV004863217.1).
Genomic context (GRCh38, chr8:144,514,968, plus strand): 5'-ACGTGTGCCCAGGGCCCTGTGTGCACACCTGGTCATCCATGAGTGACAGCAGGGGAGAGA[C>G]GACCAACGTGAGGCAGGGGCTGCGCCGGCTGTAGAGCAGCGCTGGGAGCTGGTAGCACAG-3'
Protein context (NP_004251.4, residues 520-540): SRRSPCLTLV[Val530Leu]SPLLSLMDDQ

ClinVar aggregate classification (germline): Uncertain significance (1 of 4 stars; one submission).

Conditions:
Inborn genetic diseases. Identifiers: MedGen C0950123, MeSH D030342.

Submission:

Ambry Genetics
Classification: Uncertain significance for Inborn genetic diseases. Last evaluated: 2026-06-11. Review status: criteria provided, single submitter. Criteria: Ambry Variant Classification Scheme 2023. Collection method: clinical testing. Allele origin: germline.
Comment: The p.V530L variant (also known as c.1588G>C), located in coding exon 9 of the RECQL4 gene, results from a G to C substitution at nucleotide position 1588. The valine at codon 530 is replaced by leucine, an amino acid with highly similar properties. This amino acid position is conserved. In addition, this alteration is predicted to be tolerated by in silico analysis. Based on the available evidence, the clinical significance of this variant remains unclear.